The following continues an entry in ClinVar:

NM_000069.3(CACNA1S):c.1583G>A (p.Arg528His)

Gene: CACNA1S. ClinVar aggregate classification (germline): Pathogenic. Pathogenic (17).

Submissions 12 to 22 of 22:

Genetic Services Laboratory, University of Chicago
Classification: Pathogenic. Last evaluated: 2023-09-19. Review status: criteria provided, single submitter. Criteria: ACMG Guidelines, 2015. Collection method: clinical testing. Allele origin: germline. Affected: yes.
Comment: DNA sequence analysis of the CACNA1S gene demonstrated a sequence change, c.1583G>A, in exon 11 that results in an amino acid change, p.Arg528His. The p.Arg528His change affects a highly conserved amino acid residue located in a domain of the CACNA1S protein that is known to be functional. The p.Arg528His substitution appears to be deleterious/possibly damaging using several in-silico pathogenicity prediction tools (SIFT, PolyPhen2, Align GVGD, REVEL). This pathogenic sequence change is one of the most frequently observed causative alleles in hypokalemic periodic paralysis, and has previously been described in over 30 probands with CACNA1S-related hypokalemic periodic paralysis [MIM #114208; PMID: 8004673, 19118277, 34608571]. This sequence change has not been described in population databases such as ExAC and gnomAD. The p.Arg528His amino acid change occurs in a region of the CACNA1S gene where other missense sequence changes have been described in individuals with CACNA1S-related disorders [PMID: 25430699, 15726306]. Mouse models of the p.Arg528His variant demonstrate a phenotype similar to autosomal dominant hypokalemic periodic paralysis type 1; functional studies of the mutant p.Arg528His calcium channel indicate reduced ionic current density and impaired voltage-dependent Ca2+ release compared to wild-type CACNA1S protein [PMID: 23187123]. These collective evidences indicate that this sequence change is pathogenic.

Athena Diagnostics
Classification: Pathogenic. Last evaluated: 2023-09-11. Review status: criteria provided, single submitter. Criteria: Athena Diagnostics Criteria. Collection method: clinical testing. Allele origin: unknown.
Comment: The frequency of this variant in the general population is consistent with pathogenicity. (Genome Aggregation Database (gnomAD), Cambridge, MA (URL)) This variant segregates with HOKPP in multiple families, including several with observed incomplete penetrance. This variant has been confirmed to occur de novo in multiple individuals with clinical features of HOKPP associated with this gene. Assessment of experimental evidence suggests this variant results in abnormal protein function. This variant has been shown to disrupt CACNA1S calcium channel function, causing potassium-dependent paradoxical membrane depolarization in response to hypokalemia (PMID: 8605978, 19225109, 23187123).

GeneDx
Classification: Pathogenic. Last evaluated: 2022-09-23. Review status: criteria provided, single submitter. Criteria: GeneDx Variant Classification Process June 2021. Collection method: clinical testing. Allele origin: germline. Affected: yes.
Comment: Reported previously in affected individuals from several families with hypokalemic periodic paralysis (Elbaz et al., 1995); Published functional studies demonstrate that this variant results in a significantly reduced whole cell calcium channel current and depolarization of the resting cell potential in response to hypokalemia (Lapie et al., 1996; Wu et al., 2012); Not observed at significant frequency in large population cohorts (gnomAD); In silico analysis supports that this missense variant has a deleterious effect on protein structure/function; This variant is associated with the following publications: (PMID: 20541469, 22253645, 17587224, 11328898, 28325641, 28857175, 28972032, 31567646, 31447099, 33584831, 7847370, 9512357, 23187123, 19225109, 11034874, 7987325, 19825159, 25983995, 31068157, 31380823, 19118277, 8605978, 11591859, 11808349, 15098604, 9066893, 7650604, 25088161, 32528171)

Mayo Clinic Laboratories, Mayo Clinic
Classification: Pathogenic. Last evaluated: 2020-12-30. Review status: criteria provided, single submitter. Criteria: ACMG Guidelines, 2015. Collection method: clinical testing. Allele origin: germline. Observed: 1 variant allele.
Comment: PS3, PS4_moderate, PM6, PM2, PP3

Rady Children's Institute for Genomic Medicine, Rady Children's Hospital San Diego
Classification: Pathogenic for HYPOKALEMIC PERIODIC PARALYSIS, TYPE 1. Last evaluated: 2019-08-01. Review status: criteria provided, single submitter. Criteria: ACMG Guidelines, 2015. Collection method: clinical testing. Allele origin: germline. Affected: yes.
Comment: This variant has been previously reported as a heterozygous change in patients in multiple affected familities with hypokalemic periodic paralysis, characterized by muscle weakness (PMID: 7987325, 7847370, 11034874, 15098604) and other diverse phenotypes, including muscle atrophy and myopathy (PMID: 17587224, 28972032). Incomplete penetrance in female family members has been reported for this variant (PMID: 7847370, 15098604). Functional studies have demonstrated that this variant alters the electrophysiological properties of the calcium channel, including potassium-dependent paradoxical membrane depolarization (PMID: 8605978, 9512357, 19225109), and a mouse model of this variant recapitulates the essential features of hypokalemic periodic paralysis in humans, including muscle weakness (PMID: 23187123). It is absent from the ExAC and gnomAD population databases and thus is presumed to be rare. The c.1583G>A (p.Arg528His) variant affects a highly conserved amino acid and is predicted by multiple in silico tools to have a deleterious effect on protein function. This variant, a change from a strongly positive arginine residue to a weakly positive histidine residue, occurs within the S4 transmembrane segment of the channel pore, which appears to participate in voltage sensing. Based on the available evidence, the c.1583G>A (p.Arg528His) variant is classified as Pathogenic.

Institute of Human Genetics, University of Leipzig Medical Center
Classification: Pathogenic for Hypokalemic periodic paralysis, type 1. Last evaluated: 2019-01-01. Review status: criteria provided, single submitter. Criteria: ACMG Guidelines, 2015. Collection method: clinical testing. Allele origin: unknown. Affected: yes.
Comment: This variant was identified as compound heterozygous.

Department of Neurology and Geriatrics, Kagoshima University Graduate School of Medical and Dental Sciences
Classification: Pathogenic for Hypokalemic periodic paralysis, type 1. Last evaluated: 2022-04-12. Review status: no assertion criteria provided. Collection method: research. Allele origin: germline. Affected: yes. Not counted in ClinVar's aggregate classification.

Foundation for Research in Genetics and Endocrinology, FRIGE's Institute of Human Genetics
Classification: Pathogenic for Hypokalemic periodic paralysis, type 1. Last evaluated: 2017-02-22. Review status: no assertion criteria provided. Collection method: clinical testing. Allele origin: germline. Inheritance: Autosomal dominant inheritance. Affected: yes. Observed: 1 variant allele, 1 heterozygote. Not counted in ClinVar's aggregate classification.
Comment: The observed variant c.1583G>A (p.Arg528His) is not reported in 1000 Genomes and ExAC databases. The in silico prediction of the variant is disease causing by MutationTaster2, damaging by SIFT, and probably damaging by PolyPhen2.

OMIM
Classification: Pathogenic for HYPOKALEMIC PERIODIC PARALYSIS, TYPE 1. Last evaluated: 1999-03-01. Review status: no assertion criteria provided. Collection method: literature only. Allele origin: germline. Not counted in ClinVar's aggregate classification.

GeneReviews
No classification provided. Condition: Hypokalemic periodic paralysis, type 1. Review status: no classification provided. Collection method: literature only. Allele origin: germline. Not counted in ClinVar's aggregate classification.

Color Diagnostics, LLC DBA Color Health
Classification: Uncertain significance for Malignant hyperthermia, susceptibility to, 5. Last evaluated: 2023-10-12. Review status: flagged submission. Criteria: ACMG Guidelines, 2015. Collection method: clinical testing. Allele origin: germline. Not counted in ClinVar's aggregate classification.
Comment: This missense variant replaces arginine with histidine at codon 528 of the CACNA1S protein. Computational prediction suggests that this variant may have deleterious impact on protein structure and function. To our knowledge, functional studies have not been reported for this variant. This variant has not been reported in individuals affected with autosomal dominant malignant hyperthermia in the literature, although it is associated with other phenotype(s) (ClinVar variation ID: 17625). This variant has not been identified in the general population by the Genome Aggregation Database (gnomAD). Due to insufficient evidence, this variant is classified as a Variant of Uncertain Significance for autosomal dominant malignant hyperthermia.
ClinVar note: Reason: Outlier claim with insufficient supporting evidence

Literature cited by the submitters: PubMed 7847370 (cited by 7 submitters); PubMed 7987325 (cited by 7 submitters); PubMed 9066893 (cited by 4 submitters); PubMed 11034874 (cited by 5 submitters); PubMed 11808349 (cited by 4 submitters); PubMed 15726306 (cited by Labcorp Genetics (formerly Invitae), Labcorp and 3billion); PubMed 8605978 (cited by 4 submitters); PubMed 9512357 (cited by 5 submitters); PubMed 9852570 (cited by 3 submitters); PubMed 23187123 (cited by 4 submitters); PubMed 25430699 (cited by Variantyx, Inc.); PubMed 7650604 (cited by 3 submitters); PubMed 37656291 (cited by Variantyx, Inc.); PubMed 36964972 (cited by Variantyx, Inc.); PubMed 31567646 (cited by Variantyx, Inc. and Mayo Clinic Laboratories, Mayo Clinic); PubMed 15098604 (cited by 3 submitters); PubMed 17587224 (cited by 3 submitters); PubMed 28972032 (cited by 3 submitters); PubMed 19225109 (cited by Dasa and Athena Diagnostics); PubMed 11353725 (cited by Athena Diagnostics and Mayo Clinic Laboratories, Mayo Clinic); PubMed 10074484 (cited by 3 submitters); PubMed 7897626 (cited by 3 submitters); PubMed 11328898 (cited by Athena Diagnostics and Mayo Clinic Laboratories, Mayo Clinic); PubMed 15711422 (cited by Athena Diagnostics and Mayo Clinic Laboratories, Mayo Clinic); PubMed 31380823 (cited by Mayo Clinic Laboratories, Mayo Clinic); PubMed 31068157 (cited by Mayo Clinic Laboratories, Mayo Clinic); PubMed 31447099 (cited by Mayo Clinic Laboratories, Mayo Clinic); PubMed 19118277 (cited by Mayo Clinic Laboratories, Mayo Clinic); PubMed 18162704 (cited by Mayo Clinic Laboratories, Mayo Clinic).